The following is an entry in ClinVar:

ClinVar aggregate classification (germline): Benign. Review status: criteria provided, multiple submitters, no conflicts (2 of 4 stars). 4 submissions from 4 submitters: Benign (3). 1 of the submissions does not count toward it. Last evaluated 2026-02-01.

Conditions:
WDR4-related disorder. Also called: WDR4-Related Disorders; WDR4-related condition.

Allele frequency attached by ClinVar (database versions not stated): gnomAD 0.04072 and 0.03811; ESP Exome Variant Server 0.04398; TOPMed 0.04314; 1000 Genomes Project 30x 0.04466; 1000 Genomes Project 0.04014; gnomAD exomes 0.00416 and 0.01023; ExAC 0.01258.
gnomAD v4.1: 12,178 of 1,612,592 alleles (0.76%); highest among the groups gnomAD compares: African/African-American, 13%; 699 homozygotes.

Submissions (4):

Labcorp Genetics (formerly Invitae), Labcorp
Classification: Benign. Last evaluated: 2026-02-01. Review status: criteria provided, single submitter. Criteria: Invitae Variant Classification Sherloc (09022015). Collection method: clinical testing. Allele origin: germline.

GeneDx
Classification: Benign. Last evaluated: 2021-05-05. Review status: criteria provided, single submitter. Criteria: GeneDx Variant Classification Process June 2021. Collection method: clinical testing. Allele origin: germline. Affected: yes.

Breakthrough Genomics
Classification: Benign. Review status: criteria provided, single submitter. Criteria: ACMG Guidelines, 2015. Collection method: not provided. Allele origin: germline. Inheritance: Autosomal recessive inheritance. Affected: yes.

PreventionGenetics, part of Exact Sciences
Classification: Benign for WDR4-related condition. Last evaluated: 2019-03-18. Review status: no assertion criteria provided. Collection method: clinical testing. Allele origin: germline. Not counted in ClinVar's aggregate classification.
Comment: This variant is classified as benign based on ACMG/AMP sequence variant interpretation guidelines (Richards et al. 2015 PMID: 25741868, with internal and published modifications).

NM_018669.6(WDR4):c.1089C>T (p.Ala363=)

Gene: WDR4 (WDR4 tRNA N7-guanosine methyltransferase non-catalytic subunit; minus strand). Cytogenetic location: 21q22.3.
Variant type: single nucleotide variant.
Coding change: c.1089C>T on transcript NM_018669.6 (MANE Select); coding-DNA position 1089, C replaced by T.
Protein change: p.Ala363=; no amino-acid change (alanine 363 retained).
Molecular consequence: synonymous variant. On other transcripts: non-coding transcript variant (1).
Genome position (GRCh38, 1-based): chr21:42,850,199, G>A on the plus strand (C>T on the coding strand, the complement: WDR4 is on the minus strand). VCF-style: chr21-42850199-G-A. GRCh37 (hg19) VCF-style: chr21-44270309-G-A.
Other names: c.1086C>T, p.Ala362= (NM_001260474.2); c.651C>T, p.Ala217= (NM_001260475.2, NM_001260476.2, NM_001260477.2); c.1089C>T, p.Ala363= (NM_033661.5).
Identifiers: ClinVar variation 1288640 (VCV001288640.12), dbSNP rs17115515, ClinGen allele CA10045798.